The following is an entry in ClinVar:

NM_000179.3(MSH6):c.4070T>C (p.Ile1357Thr)

Gene: MSH6 (mutS homolog 6; plus strand). Cytogenetic location: 2p16.3.
Variant type: single nucleotide variant.
Coding change: c.4070T>C on transcript NM_000179.3 (MANE Select); coding-DNA position 4070, T replaced by C.
Protein change: p.Ile1357Thr; replaces isoleucine 1357 with threonine.
Molecular consequence: missense variant.
Genome position (GRCh38, 1-based): chr2:47,806,847, T>C. VCF-style: chr2-47806847-T-C. GRCh37 (hg19) VCF-style: chr2-48033986-T-C.
Other names: c.3680T>C, p.Ile1227Thr (NM_001281492.2); c.3164T>C, p.Ile1055Thr (NM_001281493.2, NM_001281494.2, NM_001406811.1 and 6 more transcripts); c.4166T>C, p.Ile1389Thr (NM_001406795.1); c.4070T>C, p.Ile1357Thr (NM_001406796.1, NM_001406809.1); c.3773T>C, p.Ile1258Thr (NM_001406797.1, NM_001406805.1, NM_001406818.1 and 8 more transcripts); c.3896T>C, p.Ile1299Thr (NM_001406798.1); c.3545T>C, p.Ile1182Thr (NM_001406799.1, NM_001406806.1, NM_001406807.1); c.*91T>C (NM_001406800.1); and 9 more; short protein forms I306T, I1069T, I1258T, I1299T, I1301T, I1331T, I1357T, I672T.
Identifiers: ClinVar variation 2045161 (VCV002045161.6), dbSNP rs1209834047, ClinGen allele CA346761754.
Genomic context (GRCh38, chr2:47,806,847, plus strand): 5'-GCCTGGCTAGTGAAAGGTCAACTGTAGATGCTGAAGCTGTCCATAAATTGCTGACTTTGA[T>C]TAAGGAATTATAGACTGACTACATTGGAAGCTTTGAGTTGACTTCTGACAAAGGTGGTAA-3'
Protein context (NP_000170.1, residues 1347-1360): AEAVHKLLTL[Ile1357Thr]KEL

ClinVar aggregate classification (germline): Uncertain significance. Review status: criteria provided, multiple submitters, no conflicts (2 of 4 stars). 3 submissions from 3 submitters: Uncertain significance (3). Last evaluated 2025-12-29.

Conditions:
Hereditary cancer-predisposing syndrome. Also called: Neoplastic Syndromes, Hereditary; Hereditary Cancer Syndrome; Hereditary neoplastic syndrome; Tumor predisposition. Identifiers: Orphanet 140162, MedGen C0027672, MeSH D009386, MONDO:0015356.
Hereditary nonpolyposis colorectal neoplasms. Identifiers: MedGen C0009405, MeSH D003123.

gnomAD v4.1: 1 of 1,611,838 alleles (0.000062%); highest among the groups gnomAD compares: Non-Finnish European, 0.000085%; no homozygotes.

Submissions (3):

Center for Genomic Medicine, Rigshospitalet, Copenhagen University Hospital
Classification: Uncertain significance. Last evaluated: 2025-12-29. Review status: criteria provided, single submitter. Criteria: ACMG Guidelines, 2015. Collection method: clinical testing. Allele origin: germline.
Comment: Classification criteria: BP4

Labcorp Genetics (formerly Invitae), Labcorp
Classification: Uncertain significance for Hereditary nonpolyposis colorectal neoplasms. Last evaluated: 2023-05-11. Review status: criteria provided, single submitter. Criteria: Invitae Variant Classification Sherloc (09022015). Collection method: clinical testing. Allele origin: germline.
Comment: ClinVar contains an entry for this variant (Variation ID: 2045161). In summary, the available evidence is currently insufficient to determine the role of this variant in disease. Therefore, it has been classified as a Variant of Uncertain Significance. Advanced modeling of protein sequence and biophysical properties (such as structural, functional, and spatial information, amino acid conservation, physicochemical variation, residue mobility, and thermodynamic stability) performed at Invitae indicates that this missense variant is not expected to disrupt MSH6 protein function. This variant has not been reported in the literature in individuals affected with MSH6-related conditions. This variant is not present in population databases (gnomAD no frequency). This sequence change replaces isoleucine, which is neutral and non-polar, with threonine, which is neutral and polar, at codon 1357 of the MSH6 protein (p.Ile1357Thr).

Ambry Genetics
Classification: Uncertain significance for Hereditary cancer-predisposing syndrome. Last evaluated: 2022-12-05. Review status: criteria provided, single submitter. Criteria: Ambry Variant Classification Scheme 2023. Collection method: clinical testing. Allele origin: germline.
Comment: The p.I1357T variant (also known as c.4070T>C), located in coding exon 10 of the MSH6 gene, results from a T to C substitution at nucleotide position 4070. The isoleucine at codon 1357 is replaced by threonine, an amino acid with similar properties. This variant was identified in a proband whose rectal carcinoma was MSI-H and showed loss of MSH6 protein expression, but did not meet defined clinical criteria which were reportedly based on both the Amsterdam II criteria and revised Bethesda guidelines (Terui H et al. Oncol Rep, 2013 Dec;30:2909-16). This amino acid position is not well conserved in available vertebrate species. In addition, the in silico prediction for this alteration is inconclusive. Since supporting evidence is limited at this time, the clinical significance of this alteration remains unclear.

Literature cited by the submitters: PubMed 24100870 (cited by Ambry Genetics).